The following is an entry in ClinVar:

NM_001205019.2(GK):c.1301T>G (p.Met434Arg)

Gene: GK (glycerol kinase; plus strand). Cytogenetic location: Xp21.2.
Variant type: single nucleotide variant.
Coding change: c.1301T>G on transcript NM_001205019.2 (MANE Select); coding-DNA position 1301, T replaced by G.
Protein change: p.Met434Arg; replaces methionine 434 with arginine.
Molecular consequence: missense variant. On other transcripts: non-coding transcript variant (7).
Genome position (GRCh38, 1-based): chrX:30,720,685, T>G. VCF-style: chrX-30720685-T-G. GRCh37 (hg19) VCF-style: chrX-30738802-T-G.
Other names: c.1283T>G, p.Met428Arg (NM_000167.6, NM_001128127.3); c.1367T>G, p.Met456Arg (NM_001399987.1, NM_001437590.1); c.1301T>G, p.Met434Arg (NM_203391.4); short protein forms M428R, M434R, M456R.
Identifiers: ClinVar variation 5017802 (VCV005017802.1).

ClinVar aggregate classification (germline): Uncertain significance (1 of 4 stars; one submission).

Submission:

GeneDx
Classification: Uncertain significance. Last evaluated: 2026-04-04. Review status: criteria provided, single submitter. Criteria: GeneDx Variant Classification Process June 2021. Collection method: clinical testing. Allele origin: germline.
Comment: Not observed at significant frequency in large population cohorts (gnomAD); In silico analysis supports that this missense variant has a deleterious effect on protein structure/function; Has not been previously published as pathogenic or benign to our knowledge